The following is an entry in ClinVar:

NM_001734.5(C1S):c.389C>T (p.Thr130Ile)

Gene: C1S (complement C1s; plus strand). Cytogenetic location: 12p13.31.
Variant type: single nucleotide variant.
Coding change: c.389C>T on transcript NM_001734.5 (MANE Select); coding-DNA position 389, C replaced by T.
Protein change: p.Thr130Ile; replaces threonine 130 with isoleucine.
Molecular consequence: missense variant. On other transcripts: 5 prime UTR variant (1).
Genome position (GRCh38, 1-based): chr12:7,063,065, C>T. VCF-style: chr12-7063065-C-T. GRCh37 (hg19) VCF-style: chr12-7170369-C-T.
Other names: c.-113C>T (NM_001346850.2); c.389C>T, p.Thr130Ile (NM_201442.4); short protein forms T130I.
Identifiers: ClinVar variation 2607275 (VCV002607275.4), dbSNP rs782125272, ClinGen allele CA6423384.

ClinVar aggregate classification (germline): Uncertain significance. Review status: criteria provided, multiple submitters, no conflicts (2 of 4 stars). 2 submissions from 2 submitters: Uncertain significance (2). Last evaluated 2025-06-04.

Conditions:
Inborn genetic diseases. Identifiers: MedGen C0950123, MeSH D030342.

Allele frequency attached by ClinVar (database versions not stated): gnomAD 0.00001; gnomAD exomes below 0.00001; TOPMed 0.00002; ExAC 0.00003.
gnomAD v4.1: 7 of 1,612,474 alleles (0.00043%); highest among the groups gnomAD compares: East Asian, 0.016%; no homozygotes.

Submissions (2):

Labcorp Genetics (formerly Invitae), Labcorp
Classification: Uncertain significance. Last evaluated: 2025-06-04. Review status: criteria provided, single submitter. Criteria: Invitae Variant Classification Sherloc (09022015). Collection method: clinical testing. Allele origin: germline.
Comment: This sequence change replaces threonine, which is neutral and polar, with isoleucine, which is neutral and non-polar, at codon 130 of the C1S protein (p.Thr130Ile). This variant is present in population databases (rs782125272, gnomAD 0.03%). This variant has not been reported in the literature in individuals affected with C1S-related conditions. ClinVar contains an entry for this variant (Variation ID: 2607275). An algorithm developed to predict the effect of missense changes on protein structure and function outputs the following: PolyPhen-2: "Benign". The isoleucine amino acid residue is found in multiple mammalian species, which suggests that this missense change does not adversely affect protein function. In summary, the available evidence is currently insufficient to determine the role of this variant in disease. Therefore, it has been classified as a Variant of Uncertain Significance.

Ambry Genetics
Classification: Uncertain significance for Inborn genetic diseases. Last evaluated: 2023-06-29. Review status: criteria provided, single submitter. Criteria: Ambry Variant Classification Scheme 2023. Collection method: clinical testing. Allele origin: germline.